The following is an entry in ClinVar:

ClinVar aggregate classification (germline): Uncertain significance (1 of 4 stars; one submission).

gnomAD v4.1: 1 of 1,531,786 alleles (0.000065%); highest among the groups gnomAD compares: South Asian, 0.0012%; no homozygotes.

Submission:

Mayo Clinic Laboratories, Mayo Clinic
Classification: Uncertain significance. Last evaluated: 2023-10-09. Review status: criteria provided, single submitter. Criteria: ACMG Guidelines, 2015. Collection method: clinical testing. Allele origin: germline. Observed: 1 variant allele.
Comment: BP4, PM2_moderate

NM_001098816.3(TENM4):c.634A>G (p.Ser212Gly)

Gene: TENM4 (teneurin transmembrane protein 4; minus strand). Cytogenetic location: 11q14.1.
Variant type: single nucleotide variant.
Coding change: c.634A>G on transcript NM_001098816.3 (MANE Select); coding-DNA position 634, A replaced by G.
Protein change: p.Ser212Gly; replaces serine 212 with glycine.
Molecular consequence: missense variant.
Genome position (GRCh38, 1-based): chr11:78,903,383, T>C on the plus strand (A>G on the coding strand, the complement: TENM4 is on the minus strand). VCF-style: chr11-78903383-T-C. GRCh37 (hg19) VCF-style: chr11-78614428-T-C.
Other names: p.Ser212Gly; short protein forms S212G.
Identifiers: ClinVar variation 3380047 (VCV003380047.1).